The following is an entry in ClinVar:

ClinVar aggregate classification (germline): Uncertain significance. Review status: criteria provided, multiple submitters, no conflicts (2 of 4 stars). 2 submissions from 2 submitters: Uncertain significance (2). Last evaluated 2025-08-20.

Conditions:
Cardiovascular phenotype. Identifiers: MedGen CN230736.
Hypertrophic cardiomyopathy 26. Also called: Cardiomyopathy, familial hypertrophic, 26. Identifiers: Orphanet 75249, MedGen C4310749, MONDO:0014883, OMIM 617047.
Distal myopathy with posterior leg and anterior hand involvement. Also called: WILLIAMS DISTAL MYOPATHY. Identifiers: Orphanet 63273, MedGen C3279722, MONDO:0013550, OMIM 614065.
Myofibrillar myopathy 5. Also called: FILAMINOPATHY, AUTOSOMAL DOMINANT; Filaminopathy (type). Identifiers: Orphanet 171445, MedGen C1836050, MONDO:0012289, OMIM 609524.

Allele frequency attached by ClinVar (database versions not stated): gnomAD exomes below 0.00001.
gnomAD v4.1: 1 of 1,613,434 alleles (0.000062%); highest among the groups gnomAD compares: Non-Finnish European, 0.000085%; no homozygotes.

Submissions (2):

Labcorp Genetics (formerly Invitae), Labcorp
Classification: Uncertain significance for Distal myopathy with posterior leg and anterior hand involvement; Myofibrillar myopathy 5; Hypertrophic cardiomyopathy 26. Last evaluated: 2025-08-20. Review status: criteria provided, single submitter. Criteria: Invitae Variant Classification Sherloc (09022015). Collection method: clinical testing. Allele origin: germline.
Comment: This sequence change replaces threonine, which is neutral and polar, with alanine, which is neutral and non-polar, at codon 2056 of the FLNC protein (p.Thr2056Ala). This variant is not present in population databases (gnomAD no frequency). This variant has not been reported in the literature in individuals affected with FLNC-related conditions. ClinVar contains an entry for this variant (Variation ID: 1014496). Invitae Evidence Modeling of protein sequence and biophysical properties (such as structural, functional, and spatial information, amino acid conservation, physicochemical variation, residue mobility, and thermodynamic stability) has been performed for this missense variant. However, the output from this modeling did not meet the statistical confidence thresholds required to predict the impact of this variant on FLNC protein function. In summary, the available evidence is currently insufficient to determine the role of this variant in disease. Therefore, it has been classified as a Variant of Uncertain Significance.

Ambry Genetics
Classification: Uncertain significance for Cardiovascular phenotype. Last evaluated: 2024-08-19. Review status: criteria provided, single submitter. Criteria: Ambry Variant Classification Scheme 2023. Collection method: clinical testing. Allele origin: germline.
Comment: The p.T2056A variant (also known as c.6166A>G), located in coding exon 37 of the FLNC gene, results from an A to G substitution at nucleotide position 6166. The threonine at codon 2056 is replaced by alanine, an amino acid with similar properties. This amino acid position is conserved. In addition, the in silico prediction for this alteration is inconclusive. Based on the available evidence, the clinical significance of this variant remains unclear.

NM_001458.5(FLNC):c.6166A>G (p.Thr2056Ala)

Genes: FLNC (filamin C; plus strand), FLNC-AS1 (FLNC antisense RNA 1; minus strand). Cytogenetic location: 7q32.1.
Variant type: single nucleotide variant.
Coding change: c.6166A>G on transcript NM_001458.5 (MANE Select); coding-DNA position 6166, A replaced by G.
Protein change: p.Thr2056Ala; replaces threonine 2056 with alanine.
Molecular consequence: missense variant.
Genome position (GRCh38, 1-based): chr7:128,852,989, A>G. VCF-style: chr7-128852989-A-G. GRCh37 (hg19) VCF-style: chr7-128493043-A-G.
Other names: c.6067A>G, p.Thr2023Ala (NM_001127487.2); c.6166A>G (NM_001458.4); short protein forms T2023A, T2056A.
Identifiers: ClinVar variation 1014496 (VCV001014496.10), dbSNP rs1808887741, ClinGen allele CA369211493.